The following is an entry in ClinVar:

NM_000709.4(BCKDHA):c.905A>G (p.Asp302Gly)

Gene: BCKDHA (branched chain keto acid dehydrogenase E1 subunit alpha; plus strand). Cytogenetic location: 19q13.2.
Variant type: single nucleotide variant.
Coding change: c.905A>G on transcript NM_000709.4 (MANE Select); coding-DNA position 905, A replaced by G.
Protein change: p.Asp302Gly; replaces aspartic acid 302 with glycine.
Molecular consequence: missense variant.
Genome position (GRCh38, 1-based): chr19:41,422,680, A>G. VCF-style: chr19-41422680-A-G. GRCh37 (hg19) VCF-style: chr19-41928585-A-G.
Other names: c.902A>G, p.Asp301Gly (NM_001164783.2); short protein forms D301G, D302G.
Identifiers: ClinVar variation 2044440 (VCV002044440.4), dbSNP rs398123509, ClinGen allele CA406013367.

ClinVar aggregate classification (germline): Likely pathogenic (1 of 4 stars; one submission).

Conditions:
Maple syrup urine disease (MSUD). Identifiers: Orphanet 511, MedGen C0024776, MeSH D008375, MONDO:0009563. Disease mechanism: loss of function.

Submission:

Labcorp Genetics (formerly Invitae), Labcorp
Classification: Likely pathogenic for Maple syrup urine disease. Last evaluated: 2021-12-16. Review status: criteria provided, single submitter. Criteria: Invitae Variant Classification Sherloc (09022015). Collection method: clinical testing. Allele origin: germline.
Comment: In summary, the currently available evidence indicates that the variant is pathogenic, but additional data are needed to prove that conclusively. Therefore, this variant has been classified as Likely Pathogenic. This variant disrupts the p.Asp302 amino acid residue in BCKDHA. Other variant(s) that disrupt this residue have been determined to be pathogenic (PMID: 16786533, 31980395). This suggests that this residue is clinically significant, and that variants that disrupt this residue are likely to be disease-causing. Algorithms developed to predict the effect of sequence changes on RNA splicing suggest that this variant may create or strengthen a splice site. Advanced modeling of protein sequence and biophysical properties (such as structural, functional, and spatial information, amino acid conservation, physicochemical variation, residue mobility, and thermodynamic stability) performed at Invitae indicates that this missense variant is expected to disrupt BCKDHA protein function. This variant has not been reported in the literature in individuals affected with BCKDHA-related conditions. This variant is not present in population databases (gnomAD no frequency). This sequence change replaces aspartic acid, which is acidic and polar, with glycine, which is neutral and non-polar, at codon 302 of the BCKDHA protein (p.Asp302Gly).

Literature cited by the submitters: PubMed 16786533; PubMed 31980395.